The following is an entry in ClinVar:

NM_001267550.2(TTN):c.86921T>C (p.Ile28974Thr)

Genes: TTN-AS1 (TTN antisense RNA 1; plus strand), TTN (titin; minus strand). Cytogenetic location: 2q31.2.
Variant type: single nucleotide variant.
Coding change: c.86921T>C on transcript NM_001267550.2 (MANE Select); coding-DNA position 86921, T replaced by C.
Protein change: p.Ile28974Thr; replaces isoleucine 28974 with threonine.
Molecular consequence: missense variant.
Genome position (GRCh38, 1-based): chr2:178,558,538, A>G on the plus strand (T>C on the coding strand, the complement: TTN is on the minus strand). VCF-style: chr2-178558538-A-G. GRCh37 (hg19) VCF-style: chr2-179423265-A-G.
Other names: c.81998T>C, p.Ile27333Thr (NM_001256850.1); c.59726T>C, p.Ile19909Thr (NM_003319.4); c.79217T>C, p.Ile26406Thr (NM_133378.4); c.60101T>C, p.Ile20034Thr (NM_133432.3); c.60302T>C, p.Ile20101Thr (NM_133437.4); short protein forms I26406T, I27333T, I28974T, I20034T, I19909T, I20101T.
Identifiers: ClinVar variation 671675 (VCV000671675.1), dbSNP rs762434090, ClinGen allele CA1988407.

ClinVar aggregate classification (germline): Likely benign (1 of 4 stars; one submission).

Allele frequency attached by ClinVar (database versions not stated): gnomAD exomes below 0.00001; ExAC 0.00001.
gnomAD v4.1: 6 of 1,613,790 alleles (0.00037%); highest among the groups gnomAD compares: South Asian, 0.0022%; no homozygotes.

Submission:

GeneDx
Classification: Likely benign. Last evaluated: 2018-05-08. Review status: criteria provided, single submitter. Criteria: GeneDx Variant Classification (06012015). Collection method: clinical testing. Allele origin: germline. Affected: yes.
Comment: This variant is considered likely benign or benign based on one or more of the following criteria: it is a conservative change, it occurs at a poorly conserved position in the protein, it is predicted to be benign by multiple in silico algorithms, and/or has population frequency not consistent with disease.